The following is an entry in ClinVar:

ClinVar aggregate classification (germline): Likely benign (1 of 4 stars; one submission).

Allele frequency attached by ClinVar (database versions not stated): gnomAD 0.00001; gnomAD exomes 0.00001; ExAC 0.00002; TOPMed 0.00002.

Submission:

CeGaT Center for Human Genetics Tuebingen
Classification: Likely benign. Last evaluated: 2022-06-01. Review status: criteria provided, single submitter. Criteria: CeGaT Center For Human Genetics Tuebingen Variant Classification Criteria Version 2. Collection method: clinical testing. Allele origin: germline. Affected: yes. Observed: 1 variant allele.
Comment: COL14A1: BP4, BP7

NM_021110.4(COL14A1):c.1621C>T (p.Leu541=)

Gene: COL14A1 (collagen type XIV alpha 1 chain; plus strand). Cytogenetic location: 8q24.12.
Variant type: single nucleotide variant.
Coding change: c.1621C>T on transcript NM_021110.4 (MANE Select); coding-DNA position 1621, C replaced by T.
Protein change: p.Leu541=; no amino-acid change (leucine 541 retained).
Molecular consequence: synonymous variant.
Genome position (GRCh38, 1-based): chr8:120,216,374, C>T. VCF-style: chr8-120216374-C-T. GRCh37 (hg19) VCF-style: chr8-121228613-C-T.
Other names: c.1621C>T, p.Leu541= (NM_001384947.1, NM_001413490.1, NM_001413491.1 and 4 more transcripts); c.1534C>T, p.Leu512= (NM_001413495.1, NM_001413497.1, NM_001413498.1).
Identifiers: ClinVar variation 2658784 (VCV002658784.24), dbSNP rs145059457, ClinGen allele CA4858940.